The following is an entry in ClinVar:

ClinVar aggregate classification (germline): Benign. Review status: criteria provided, multiple submitters, no conflicts (2 of 4 stars). 3 submissions from 3 submitters: Benign (3). Last evaluated 2018-11-08.

Conditions:
Monogenic diabetes. Identifiers: Orphanet 183625, MedGen C3888631, MONDO:0015967.

Allele frequency attached by ClinVar (database versions not stated): ESP Exome Variant Server 0.00300; 1000 Genomes Project 30x 0.00312; TOPMed 0.00341; 1000 Genomes Project 0.00359; gnomAD 0.00595 and 0.00600; gnomAD exomes 0.00633 and 0.00716; ExAC 0.00705.
gnomAD v4.1: 10,088 of 1,613,728 alleles (0.63%); highest among the groups gnomAD compares: South Asian, 0.89%; 73 homozygotes.

Submissions (3):

Personalized Diabetes Medicine Program, University of Maryland School of Medicine
Classification: Benign for Monogenic diabetes. Last evaluated: 2018-11-08. Review status: criteria provided, single submitter. Criteria: ACMG Guidelines, 2015. Collection method: research. Allele origin: unknown. Observed: 6 variant alleles, 6 heterozygotes.
Comment: ACMG criteria: BP4 (6 predictors for BP4, 4 predictors for PP3=not using, REVEL=0.061), BS1 (1.23% in 1000G-SAS, 2.56% in ExAC-Fin), BS2 (112 cases and 105 controls in an online resource)=benign

Labcorp Genetics (formerly Invitae), Labcorp
Classification: Benign. Last evaluated: 2018-06-05. Review status: criteria provided, single submitter. Criteria: Invitae Variant Classification Sherloc (09022015). Collection method: clinical testing. Allele origin: germline.

Breakthrough Genomics
Classification: Benign. Review status: criteria provided, single submitter. Criteria: ACMG Guidelines, 2015. Collection method: not provided. Allele origin: germline. Inheritance: Autosomal dominant inheritance. Affected: yes.

NM_002711.4(PPP1R3A):c.133G>A (p.Gly45Ser)

Gene: PPP1R3A (protein phosphatase 1 regulatory subunit 3A; minus strand). Cytogenetic location: 7q31.1.
Variant type: single nucleotide variant.
Coding change: c.133G>A on transcript NM_002711.4 (MANE Select); coding-DNA position 133, G replaced by A.
Protein change: p.Gly45Ser; replaces glycine 45 with serine.
Molecular consequence: missense variant.
Genome position (GRCh38, 1-based): chr7:113,918,864, C>T on the plus strand (G>A on the coding strand, the complement: PPP1R3A is on the minus strand). VCF-style: chr7-113918864-C-T. GRCh37 (hg19) VCF-style: chr7-113558919-C-T.
Other names: short protein forms G45S.
Identifiers: ClinVar variation 549524 (VCV000549524.7), dbSNP rs8192687, ClinGen allele CA4445525.